The following is an entry in ClinVar:

ClinVar aggregate classification (germline): Conflicting classifications of pathogenicity. Review status: criteria provided, conflicting classifications (1 of 4 stars). 3 submissions from 3 submitters: Uncertain significance (1); Likely benign (1). 1 of the submissions does not count toward it. Last evaluated 2026-02-04.

Conditions:
CCDC8-related disorder. Also called: CCDC8-related condition.
Inborn genetic diseases. Identifiers: MedGen C0950123, MeSH D030342.

Allele frequency attached by ClinVar (database versions not stated): 1000 Genomes Project 0.00040; 1000 Genomes Project 30x 0.00047; TOPMed 0.00178; ESP Exome Variant Server 0.00215.
gnomAD v4.1: 519 of 1,607,324 alleles (0.032%); highest among the groups gnomAD compares: African/African-American, 0.58%; 3 homozygotes.

Submissions (3):

Labcorp Genetics (formerly Invitae), Labcorp
Classification: Likely benign. Last evaluated: 2026-02-04. Review status: criteria provided, single submitter. Criteria: Invitae Variant Classification Sherloc (09022015). Collection method: clinical testing. Allele origin: germline.

Ambry Genetics
Classification: Uncertain significance for Inborn genetic diseases. Last evaluated: 2024-08-05. Review status: criteria provided, single submitter. Criteria: Ambry Variant Classification Scheme 2023. Collection method: clinical testing. Allele origin: germline.

PreventionGenetics, part of Exact Sciences
Classification: Likely benign for CCDC8-related condition. Last evaluated: 2019-10-25. Review status: no assertion criteria provided. Collection method: clinical testing. Allele origin: germline. Not counted in ClinVar's aggregate classification.
Comment: This variant is classified as likely benign based on ACMG/AMP sequence variant interpretation guidelines (Richards et al. 2015 PMID: 25741868, with internal and published modifications).

NM_032040.5(CCDC8):c.824G>A (p.Arg275Gln)

Gene: CCDC8 (coiled-coil domain containing 8 subunit of 3M complex; minus strand). Cytogenetic location: 19q13.32.
Variant type: single nucleotide variant.
Coding change: c.824G>A on transcript NM_032040.5 (MANE Select); coding-DNA position 824, G replaced by A.
Protein change: p.Arg275Gln; replaces arginine 275 with glutamine.
Molecular consequence: missense variant.
Genome position (GRCh38, 1-based): chr19:46,411,987, C>T on the plus strand (G>A on the coding strand, the complement: CCDC8 is on the minus strand). VCF-style: chr19-46411987-C-T. GRCh37 (hg19) VCF-style: chr19-46915244-C-T.
Other names: c.824G>A (NM_032040.3); short protein forms R275Q.
Identifiers: ClinVar variation 731142 (VCV000731142.13), dbSNP rs140574202, ClinGen allele CA9528621.